The following is an entry in ClinVar:

ClinVar aggregate classification (germline): Uncertain significance (1 of 4 stars; one submission).

Conditions:
Bardet-Biedl syndrome 16 (BBS16). Identifiers: Orphanet 110, MedGen C3889474, MONDO:0014444, OMIM 615993.

Submission:

Baylor Genetics
Classification: Uncertain significance for Bardet-Biedl syndrome 16. Last evaluated: 2020-02-18. Review status: criteria provided, single submitter. Criteria: ACMG Guidelines, 2015. Collection method: clinical testing. Allele origin: unknown. Affected: yes.
Comment: This variant was determined to be of uncertain significance according to ACMG Guidelines, 2015 [PMID:25741868].

NM_006642.5(SDCCAG8):c.1985G>A (p.Arg662Lys)

Gene: SDCCAG8 (SHH signaling and ciliogenesis regulator SDCCAG8; plus strand). Cytogenetic location: 1q43.
Variant type: single nucleotide variant.
Coding change: c.1985G>A on transcript NM_006642.5 (MANE Select); coding-DNA position 1985, G replaced by A.
Protein change: p.Arg662Lys; replaces arginine 662 with lysine.
Molecular consequence: missense variant.
Genome position (GRCh38, 1-based): chr1:243,426,558, G>A. VCF-style: chr1-243426558-G-A. GRCh37 (hg19) VCF-style: chr1-243589860-G-A.
Other names: c.1082G>A, p.Arg361Lys (NM_001350246.2, NM_001350247.2, NM_001350251.2); c.2081G>A, p.Arg694Lys (NM_001350248.2); c.1691G>A, p.Arg564Lys (NM_001350249.2); short protein forms R694K, R361K, R564K, R662K.
Identifiers: ClinVar variation 1030121 (VCV001030121.1), dbSNP rs2081354187, ClinGen allele CA345667934.